The following is an entry in ClinVar:

NM_000535.7(PMS2):c.2367G>C (p.Met789Ile)

Gene: PMS2 (PMS1 homolog 2, mismatch repair system component; minus strand). Cytogenetic location: 7p22.1.
Variant type: single nucleotide variant.
Coding change: c.2367G>C on transcript NM_000535.7 (MANE Select); coding-DNA position 2367, G replaced by C.
Protein change: p.Met789Ile; replaces methionine 789 with isoleucine.
Molecular consequence: missense variant. On other transcripts: non-coding transcript variant (1).
Genome position (GRCh38, 1-based): chr7:5,977,666, C>G on the plus strand (G>C on the coding strand, the complement: PMS2 is on the minus strand). VCF-style: chr7-5977666-C-G. GRCh37 (hg19) VCF-style: chr7-6017297-C-G.
Other names: c.1962G>C, p.Met654Ile (NM_001018040.1, NM_001322003.2, NM_001322004.2 and 12 more transcripts); c.2211G>C, p.Met737Ile (NM_001322006.2); c.2049G>C, p.Met683Ile (NM_001322007.2, NM_001322008.2, NM_001406883.1); c.1995G>C, p.Met665Ile (NM_001322009.2, NM_001406887.1, NM_001406888.1); c.1806G>C, p.Met602Ile (NM_001322010.2, NM_001406906.1, NM_001406907.1); c.1434G>C, p.Met478Ile (NM_001322011.2, NM_001322012.2); c.1794G>C, p.Met598Ile (NM_001322013.2, NM_001406908.1, NM_001406909.1); c.2400G>C, p.Met800Ile (NM_001322014.2); and 20 more; short protein forms M478I, M598I, M618I, M677I, M686I, M697I, M789I, M797I.
Identifiers: ClinVar variation 1790236 (VCV001790236.7), dbSNP rs766565506, ClinGen allele CA366735811.
Genomic context (GRCh38, chr7:5,977,666, plus strand): 5'-GGAGGCAAACATCTGCTTGACTCGGGAAGGCCGGCACATGACCCCAGGGCTGTCGCTCAG[C>G]ATGAAGATCAGTTCATCGACGTCCTGGGGTCCGAAGGTCCAGTTTTTACTAGTTGGCAAG-3'
Protein context (NP_000526.2, residues 779-799): GPQDVDELIF[Met789Ile]LSDSPGVMCR

ClinVar aggregate classification (germline): Uncertain significance. Review status: criteria provided, multiple submitters, no conflicts (2 of 4 stars). 2 submissions from 2 submitters: Uncertain significance (2). Last evaluated 2025-12-20.

Conditions:
Hereditary cancer-predisposing syndrome. Also called: Hereditary Cancer Syndrome; Hereditary neoplastic syndrome; Tumor predisposition; Neoplastic Syndromes, Hereditary. Identifiers: Orphanet 140162, MedGen C0027672, MeSH D009386, MONDO:0015356.
Hereditary nonpolyposis colorectal neoplasms. Identifiers: MedGen C0009405, MeSH D003123.

Submissions (2):

Labcorp Genetics (formerly Invitae), Labcorp
Classification: Uncertain significance for Hereditary nonpolyposis colorectal neoplasms. Last evaluated: 2025-12-20. Review status: criteria provided, single submitter. Criteria: Invitae Variant Classification Sherloc (09022015). Collection method: clinical testing. Allele origin: germline.
Comment: This sequence change replaces methionine, which is neutral and non-polar, with isoleucine, which is neutral and non-polar, at codon 789 of the PMS2 protein (p.Met789Ile). The frequency data for this variant in the population databases (gnomAD) is considered unreliable due to the presence of homologous sequence, such as pseudogenes or paralogs, in the genome. This variant has not been reported in the literature in individuals affected with PMS2-related conditions. ClinVar contains an entry for this variant (Variation ID: 1790236). Invitae Evidence Modeling incorporating data from in vitro experimental studies (internal data) indicates that this missense variant is not expected to disrupt PMS2 function with a negative predictive value of 95%. In summary, the available evidence is currently insufficient to determine the role of this variant in disease. Therefore, it has been classified as a Variant of Uncertain Significance.

Ambry Genetics
Classification: Uncertain significance for Hereditary cancer-predisposing syndrome. Last evaluated: 2020-04-02. Review status: criteria provided, single submitter. Criteria: Ambry Variant Classification Scheme 2023. Collection method: clinical testing. Allele origin: germline.
Comment: The p.M789I variant (also known as c.2367G>C), located in coding exon 14 of the PMS2 gene, results from a G to C substitution at nucleotide position 2367. The methionine at codon 789 is replaced by isoleucine, an amino acid with highly similar properties. This amino acid position is well conserved in available vertebrate species. In addition, the in silico prediction for this alteration is inconclusive. Since supporting evidence is limited at this time, the clinical significance of this alteration remains unclear.